The following is an entry in ClinVar:

NM_031407.7(HUWE1):c.8792C>G (p.Ser2931Cys)

Gene: HUWE1 (HECT, UBA and WWE domain containing E3 ubiquitin protein ligase 1; minus strand). Cytogenetic location: Xp11.22.
Variant type: single nucleotide variant.
Coding change: c.8792C>G on transcript NM_031407.7 (MANE Select); coding-DNA position 8792, C replaced by G.
Protein change: p.Ser2931Cys; replaces serine 2931 with cysteine.
Molecular consequence: missense variant.
Genome position (GRCh38, 1-based): chrX:53,552,400, G>C on the plus strand (C>G on the coding strand, the complement: HUWE1 is on the minus strand). VCF-style: chrX-53552400-G-C. GRCh37 (hg19) VCF-style: chrX-53579361-G-C.
Other names: short protein forms S2931C.
Identifiers: ClinVar variation 1303787 (VCV001303787.2), dbSNP rs2147327392, ClinGen allele CA413145078.
Genomic context (GRCh38, chrX:53,552,400, plus strand): 5'-GTTGAAGGCAACGGCTCTTCTAGGATTCCTCGGGAATCTGCTCCAGAAATGGCCACGGCA[G>C]AATCTCTGGTGGAAGAGCTCTCAGAGGATGCAGGTGGGGAGCTGAGGGAAATCATGCTCA-3'
Protein context (NP_113584.3, residues 2921-2941): ASSESSSTRD[Ser2931Cys]AVAISGADSR

ClinVar aggregate classification (germline): Uncertain significance (1 of 4 stars; one submission).

Submission:

GeneDx
Classification: Uncertain significance. Last evaluated: 2019-07-16. Review status: criteria provided, single submitter. Criteria: GeneDx Variant Classification Process June 2021. Collection method: clinical testing. Allele origin: germline. Affected: yes.
Comment: Not observed in large population cohorts (Lek et al., 2016); In silico analysis, which includes protein predictors and evolutionary conservation, supports a deleterious effect; Has not been previously published as pathogenic or benign to our knowledge